The following is an entry in ClinVar:

ClinVar aggregate classification (germline): Conflicting classifications of pathogenicity. Review status: criteria provided, conflicting classifications (1 of 4 stars). 2 submissions from 2 submitters: Uncertain significance (1); Likely benign (1). Last evaluated 2025-11-21.

Conditions:
Dilated cardiomyopathy 1DD (CMD1DD). Identifiers: Orphanet 154, MedGen C2750995, MONDO:0013168, OMIM 613172.

Allele frequency attached by ClinVar (database versions not stated): gnomAD exomes below 0.00001 and 0.00001; TOPMed below 0.00001.
gnomAD v4.1: 1 of 1,551,428 alleles (0.000064%); highest among the groups gnomAD compares: Admixed American, 0.002%; no homozygotes.

Submissions (2):

Labcorp Genetics (formerly Invitae), Labcorp
Classification: Likely benign for Dilated cardiomyopathy 1DD. Last evaluated: 2025-11-21. Review status: criteria provided, single submitter. Criteria: Invitae Variant Classification Sherloc (09022015). Collection method: clinical testing. Allele origin: germline.

GeneDx
Classification: Uncertain significance. Last evaluated: 2021-06-28. Review status: criteria provided, single submitter. Criteria: GeneDx Variant Classification Process June 2021. Collection method: clinical testing. Allele origin: germline. Affected: yes.
Comment: Has not been previously published as pathogenic or benign to our knowledge; Not observed at significant frequency in large population cohorts (Lek et al., 2016); In silico analysis suggests this variant may impact gene splicing. In the absence of RNA/functional studies, the actual effect of this sequence change is unknown.; Reported in ClinVar as a variant of uncertain significance (ClinVar Variant ID# 1053027; Landrum et al., 2016); This variant is associated with the following publications: (PMID: 26582918, 27535533)

NM_001134363.3(RBM20):c.3489C>T (p.Cys1163=)

Gene: RBM20 (RNA binding motif protein 20; plus strand). Cytogenetic location: 10q25.2.
Variant type: single nucleotide variant.
Coding change: c.3489C>T on transcript NM_001134363.3 (MANE Select); coding-DNA position 3489, C replaced by T.
Protein change: p.Cys1163=; no amino-acid change (cysteine 1163 retained).
Molecular consequence: synonymous variant.
Genome position (GRCh38, 1-based): chr10:110,831,098, C>T. VCF-style: chr10-110831098-C-T. GRCh37 (hg19) VCF-style: chr10-112590856-C-T.
Identifiers: ClinVar variation 1053027 (VCV001053027.8), dbSNP rs1395153921, ClinGen allele CA471370529.